The following is an entry in ClinVar:

NM_016529.6(ATP8A2):c.413A>G (p.Glu138Gly)

Gene: ATP8A2 (ATPase phospholipid transporting 8A2). Cytogenetic location: 13q12.13.
Variant type: single nucleotide variant.
Coding change: c.413A>G on transcript NM_016529.6 (MANE Select); coding-DNA position 413, A replaced by G.
Protein change: p.Glu138Gly; replaces glutamic acid 138 with glycine.
Molecular consequence: missense variant.
Genome position (GRCh38, 1-based): chr13:25,530,653, A>G. VCF-style: chr13-25530653-A-G. GRCh37 (hg19) VCF-style: chr13-26104791-A-G.
Other names: c.293A>G, p.Glu98Gly (NM_001313741.1); short protein forms E138G, E98G.
Identifiers: ClinVar variation 1700839 (VCV001700839.2), dbSNP rs2137905526, ClinGen allele CA387682290.

ClinVar aggregate classification (germline): Uncertain significance (1 of 4 stars; one submission).

Submission:

GeneDx
Classification: Uncertain significance. Last evaluated: 2022-02-09. Review status: criteria provided, single submitter. Criteria: GeneDx Variant Classification Process June 2021. Collection method: clinical testing. Allele origin: germline. Affected: yes.
Comment: Not observed at significant frequency in large population cohorts (gnomAD); In silico analysis supports that this missense variant has a deleterious effect on protein structure/function; Has not been previously published as pathogenic or benign to our knowledge